The following is an entry in ClinVar:

NM_001243279.3(ACSF3):c.1073C>T (p.Thr358Ile)

Genes: ACSF3 (acyl-CoA synthetase family member 3; plus strand), LOC125177393 (P300/CBP strongly-dependent group 1 enhancer GRCh37_chr16:89180375-89181574; plus strand). Cytogenetic location: 16q24.3.
Variant type: single nucleotide variant.
Coding change: c.1073C>T on transcript NM_001243279.3 (MANE Select); coding-DNA position 1073, C replaced by T.
Protein change: p.Thr358Ile; replaces threonine 358 with isoleucine.
Molecular consequence: missense variant. On other transcripts: non-coding transcript variant (2).
Genome position (GRCh38, 1-based): chr16:89,114,434, C>T. VCF-style: chr16-89114434-C-T. GRCh37 (hg19) VCF-style: chr16-89180842-C-T.
Other names: c.1073C>T, p.Thr358Ile (NM_001127214.4, NM_174917.5); c.278C>T, p.Thr93Ile (NM_001284316.2); c.1073C>T (NM_174917.3); short protein forms T358I, T93I.
Identifiers: ClinVar variation 31139 (VCV000031139.9), dbSNP rs387907120, ClinGen allele CA129713.

ClinVar aggregate classification (germline): Uncertain significance. Review status: criteria provided, multiple submitters, no conflicts (2 of 4 stars). 4 submissions from 4 submitters: Uncertain significance (3). 1 of the submissions does not count toward it. Last evaluated 2025-12-20.

Conditions:
Combined malonic and methylmalonic acidemia. Identifiers: Orphanet 289504, MedGen C3280314, MONDO:0013661, OMIM 614265.

Submissions (4):

Labcorp Genetics (formerly Invitae), Labcorp
Classification: Uncertain significance for Combined malonic and methylmalonic acidemia. Last evaluated: 2025-12-20. Review status: criteria provided, single submitter. Criteria: Invitae Variant Classification Sherloc (09022015). Collection method: clinical testing. Allele origin: germline.
Comment: This sequence change replaces threonine, which is neutral and polar, with isoleucine, which is neutral and non-polar, at codon 358 of the ACSF3 protein (p.Thr358Ile). This variant is not present in population databases (gnomAD no frequency). This missense change has been observed in individual(s) with combined malonic and methylmalonic aciduria (PMID: 21841779). ClinVar contains an entry for this variant (Variation ID: 31139). Invitae Evidence Modeling of protein sequence and biophysical properties (such as structural, functional, and spatial information, amino acid conservation, physicochemical variation, residue mobility, and thermodynamic stability) indicates that this missense variant is expected to disrupt ACSF3 protein function with a positive predictive value of 95%. In summary, the available evidence is currently insufficient to determine the role of this variant in disease. Therefore, it has been classified as a Variant of Uncertain Significance.

GeneDx
Classification: Uncertain significance. Last evaluated: 2024-08-28. Review status: criteria provided, single submitter. Criteria: GeneDx Variant Classification Process June 2021. Collection method: clinical testing. Allele origin: germline. Affected: yes.
Comment: Not observed at significant frequency in large population cohorts (gnomAD); In silico analysis supports that this missense variant has a deleterious effect on protein structure/function; This variant is associated with the following publications: (PMID: 34900860, 21841779)

Women's Health and Genetics/Laboratory Corporation of America, LabCorp
Classification: Uncertain significance. Last evaluated: 2024-05-29. Review status: criteria provided, single submitter. Criteria: LabCorp Variant Classification Summary - May 2015. Collection method: clinical testing. Allele origin: germline.
Comment: Variant summary: ACSF3 c.1073C>T (p.Thr358Ile) results in a non-conservative amino acid change located in the AMP-dependent synthetase/ligase domain (IPR000873) of the encoded protein sequence. Five of five in-silico tools predict a damaging effect of the variant on protein function. The variant was absent in 250810 control chromosomes (gnomAD). The available data on variant occurrences in the general population are insufficient to allow any conclusion about variant significance. c.1073C>T has been reported in the literature in at least one individual affected with Combined Malonic And Methylmalonic Aciduria (Sloan_2011). These data do not allow any conclusion about variant significance. To our knowledge, no experimental evidence demonstrating an impact on protein function has been reported. The following publication have been ascertained in the context of this evaluation (PMID: 21841779). ClinVar contains an entry for this variant (Variation ID: 31139). Based on the evidence outlined above, the variant was classified as uncertain significance.

OMIM
Classification: Pathogenic for COMBINED MALONIC AND METHYLMALONIC ACIDURIA. Last evaluated: 2011-08-14. Review status: no assertion criteria provided. Collection method: literature only. Allele origin: germline. Not counted in ClinVar's aggregate classification.

Literature cited by the submitters: PubMed 21841779 (cited by 3 submitters).